The following is an entry in ClinVar:

ClinVar aggregate classification (germline): Uncertain significance (1 of 4 stars; one submission).

gnomAD v4.1: 1 of 1,601,268 alleles (0.000062%); highest among the groups gnomAD compares: Non-Finnish European, 0.000085%; no homozygotes.

Submission:

GeneDx
Classification: Uncertain significance. Last evaluated: 2025-01-14. Review status: criteria provided, single submitter. Criteria: GeneDx Variant Classification Process June 2021. Collection method: clinical testing. Allele origin: germline. Affected: yes.
Comment: Nonsense variant predicted to result in protein truncation or nonsense mediated decay in a gene or region of a gene for which loss of function is not a well-established mechanism of disease; Has not been previously published as pathogenic or benign to our knowledge; Variants in candidate genes are classified as variants of uncertain significance in accordance with ACMG guidelines (PMID: 25741868)

NM_003458.4(BSN):c.7285C>T (p.Gln2429Ter)

Gene: BSN (bassoon presynaptic cytomatrix protein; plus strand). Cytogenetic location: 3p21.31.
Variant type: single nucleotide variant.
Coding change: c.7285C>T on transcript NM_003458.4 (MANE Select); coding-DNA position 7285, C replaced by T.
Protein change: p.Gln2429Ter; replaces glutamine 2429 with a stop codon.
Molecular consequence: nonsense.
Genome position (GRCh38, 1-based): chr3:49,656,841, C>T. VCF-style: chr3-49656841-C-T. GRCh37 (hg19) VCF-style: chr3-49694274-C-T.
Other names: short protein forms Q2429*.
Identifiers: ClinVar variation 4057177 (VCV004057177.1).